The following is an entry in ClinVar:

ClinVar aggregate classification (germline): Conflicting classifications of pathogenicity. Review status: criteria provided, conflicting classifications (1 of 4 stars). 5 submissions from 5 submitters: Pathogenic (1); Likely pathogenic (2); Uncertain significance (1). 1 of the submissions does not count toward it. Last evaluated 2024-03-04.

Conditions:
Wilson disease (WND). Also called: Wilson's disease. Identifiers: Orphanet 905, MedGen C0019202, MONDO:0010200, OMIM 277900. Disease mechanism: loss of function.

Allele frequency attached by ClinVar (database versions not stated): gnomAD exomes below 0.00001; TOPMed 0.00001.
gnomAD v4.1: 1 of 1,613,970 alleles (0.000062%); highest among the groups gnomAD compares: Non-Finnish European, 0.000085%; no homozygotes.

Submissions (5):

Baylor Genetics
Classification: Likely pathogenic for Wilson disease. Last evaluated: 2024-03-04. Review status: criteria provided, single submitter. Criteria: ACMG Guidelines, 2015. Collection method: clinical testing. Allele origin: unknown.

Chongqing Key Laboratory of Child Rare Diseases in Infection and Immunity, Children’s Hospital of Chongqing Medical University
Classification: Uncertain significance for Wilson disease. Last evaluated: 2024-01-01. Review status: criteria provided, single submitter. Criteria: ACMG Guidelines, 2015. Collection method: clinical testing. Allele origin: germline. Inheritance: Autosomal recessive inheritance. Affected: yes.
Comment: Classified as Uncertain significance according to the ACMG/AMP 2015 guidelines (PMID:25741868). The classification was based on the available submitted evidence for Wilson disease (OMIM:277900), including clinical-testing observations, variant consequence/protein annotation, and published or ClinVar evidence where available. Supporting information considered: variant annotation: p.Ser693Cys; Missense; Protein domain: TM-associated / cytosolic loop; submitted notation: NM_000053.4:c.2078C>G (p.Ser693Cys); source variant type: Missense; source domain: TM-associated / cytosolic loop; allele count n=230: 1.

Labcorp Genetics (formerly Invitae), Labcorp
Classification: Pathogenic for Wilson disease. Last evaluated: 2022-10-03. Review status: criteria provided, single submitter. Criteria: Invitae Variant Classification Sherloc (09022015). Collection method: clinical testing. Allele origin: germline.
Comment: This sequence change replaces serine, which is neutral and polar, with cysteine, which is neutral and slightly polar, at codon 693 of the ATP7B protein (p.Ser693Cys). This variant is not present in population databases (gnomAD no frequency). This missense change has been observed in individual(s) with Wilson disease (PMID: 18034201; Invitae). In at least one individual the data is consistent with being in trans (on the opposite chromosome) from a pathogenic variant. ClinVar contains an entry for this variant (Variation ID: 551492). Advanced modeling of protein sequence and biophysical properties (such as structural, functional, and spatial information, amino acid conservation, physicochemical variation, residue mobility, and thermodynamic stability) performed at Invitae indicates that this missense variant is expected to disrupt ATP7B protein function. This variant disrupts the p.Ser693 amino acid residue in ATP7B. Other variant(s) that disrupt this residue have been observed in individuals with ATP7B-related conditions (PMID: 17272994, 18034201), which suggests that this may be a clinically significant amino acid residue. For these reasons, this variant has been classified as Pathogenic.

Genome-Nilou Lab
Classification: Likely pathogenic for Wilson disease. Last evaluated: 2021-08-10. Review status: criteria provided, single submitter. Criteria: ACMG Guidelines, 2015. Collection method: clinical testing. Allele origin: germline. Affected: no.

Counsyl
Classification: Uncertain significance for Wilson disease. Last evaluated: 2017-04-12. Review status: no assertion criteria provided. Collection method: clinical testing. Allele origin: unknown. Not counted in ClinVar's aggregate classification.

Literature cited by the submitters: PubMed 18034201 (cited by Labcorp Genetics (formerly Invitae), Labcorp and Counsyl); PubMed 17272994 (cited by Labcorp Genetics (formerly Invitae), Labcorp); PubMed 25089800 (cited by Counsyl); PubMed 27022412 (cited by Counsyl); PubMed 27982432 (cited by Counsyl); PubMed 22692182 (cited by Counsyl).

NM_000053.4(ATP7B):c.2078C>G (p.Ser693Cys)

Gene: ATP7B (ATPase copper transporting beta; minus strand). Cytogenetic location: 13q14.3.
Variant type: single nucleotide variant.
Coding change: c.2078C>G on transcript NM_000053.4 (MANE Select); coding-DNA position 2078, C replaced by G.
Protein change: p.Ser693Cys; replaces serine 693 with cysteine.
Molecular consequence: missense variant. On other transcripts: intron variant (2).
Genome position (GRCh38, 1-based): chr13:51,960,191, G>C on the plus strand (C>G on the coding strand, the complement: ATP7B is on the minus strand). VCF-style: chr13-51960191-G-C. GRCh37 (hg19) VCF-style: chr13-52534327-G-C.
Other names: c.1745C>G, p.Ser582Cys (NM_001243182.2); c.2078C>G, p.Ser693Cys (NM_001330578.2); c.1870-2584C>G (NM_001005918.3); c.1870-1647C>G (NM_001330579.2); short protein forms S693C, S582C.
Identifiers: ClinVar variation 551492 (VCV000551492.16), dbSNP rs1212479289, ClinGen allele CA388024601.